The following is an entry in ClinVar:

ClinVar aggregate classification (germline): Pathogenic/Likely pathogenic. Review status: criteria provided, multiple submitters, no conflicts (2 of 4 stars). 5 submissions from 5 submitters: Pathogenic (3); Likely pathogenic (1). 1 of the submissions does not count toward it. Last evaluated 2026-03-27.

Conditions:
Hereditary cancer-predisposing syndrome. Also called: Neoplastic Syndromes, Hereditary; Hereditary Cancer Syndrome; Tumor predisposition; Hereditary neoplastic syndrome. Identifiers: Orphanet 140162, MedGen C0027672, MeSH D009386, MONDO:0015356.
Familial adenomatous polyposis 1 (FAP1). Also called: FAMILIAL ADENOMATOUS POLYPOSIS 1, ATTENUATED; POLYPOSIS, ADENOMATOUS INTESTINAL. Identifiers: MedGen C2713442, MONDO:0021056, OMIM 175100. Disease mechanism: loss of function.

Submissions (5):

Ambry Genetics
Classification: Pathogenic for Hereditary cancer-predisposing syndrome. Last evaluated: 2026-03-27. Review status: criteria provided, single submitter. Criteria: Ambry Variant Classification Scheme 2023. Collection method: clinical testing. Allele origin: germline.
Comment: The c.5936delA pathogenic mutation, located in coding exon 15 of the APC gene, results from a deletion of one nucleotide at nucleotide position 5936, causing a translational frameshift with a predicted alternate stop codon (p.N1979Tfs*65). This variant occurs at the 3' terminus of the gene, is not expected to trigger nonsense-mediated mRNA decay, and impacts the last 30% of the protein. However, premature stop codons are typically deleterious in nature, a significant portion of the protein is affected, and the impacted region is critical for protein function (Ambry internal data).This variant was reported in individual(s) with features consistent with APC-related familial adenomatous polyposis (Ambry internal data). This variant is considered to be rare based on population cohorts in the Genome Aggregation Database (gnomAD). Based on the supporting evidence, this variant is interpreted as a disease-causing mutation.

Myriad Genetics, Inc.
Classification: Pathogenic for Familial adenomatous polyposis 1. Last evaluated: 2023-05-15. Review status: criteria provided, single submitter. Criteria: Myriad Autosomal Dominant, Autosomal Recessive and X-Linked Classification Criteria (2023). Collection method: clinical testing. Allele origin: unknown.
Comment: This variant is considered pathogenic. This variant creates a frameshift predicted to result in premature protein truncation.

MGZ Medical Genetics Center
Classification: Likely pathogenic for Familial adenomatous polyposis 1. Last evaluated: 2022-06-14. Review status: criteria provided, single submitter. Criteria: ACMG Guidelines, 2015. Collection method: clinical testing. Allele origin: germline. Affected: yes. Observed: 2 variant alleles.
Comment: ACMG criteria applied: PVS1_STR, PM1, PM2_SUP

Labcorp Genetics (formerly Invitae), Labcorp
Classification: Pathogenic for Familial adenomatous polyposis 1. Last evaluated: 2021-12-12. Review status: criteria provided, single submitter. Criteria: Invitae Variant Classification Sherloc (09022015). Collection method: clinical testing. Allele origin: germline.
Comment: For these reasons, this variant has been classified as Pathogenic. A different truncation (p.Tyr2645Lysfs*14) that lies downstream of this variant has been determined to be pathogenic (PMID: 9824584, 1316610, 27081525, 8381579, 22135120, Invitae). This suggests that deletion of this region of the APC protein is causative of disease. This variant is expected to disrupt the EB1 and HDLG binding sites, which mediate interactions with the cytoskeleton (PMID: 15311282, 17293347). While functional studies have not been performed to directly test the effect on APC protein function, this suggests that disruption of the C-terminal portion of the protein is functionally important. ClinVar contains an entry for this variant (Variation ID: 217998). This variant has not been reported in the literature in individuals affected with APC-related conditions. This variant is not present in population databases (gnomAD no frequency). This sequence change creates a premature translational stop signal (p.Asn1979Thrfs*65) in the APC gene. While this is not anticipated to result in nonsense mediated decay, it is expected to disrupt the last 865 amino acid(s) of the APC protein.

Mayo Clinic Laboratories, Mayo Clinic
Classification: Likely pathogenic. Review status: no assertion criteria provided. Collection method: research. Allele origin: unknown. Observed: 1 variant allele. Not counted in ClinVar's aggregate classification.

Literature cited by the submitters: PubMed 9824584 (cited by Labcorp Genetics (formerly Invitae), Labcorp); PubMed 1316610 (cited by Labcorp Genetics (formerly Invitae), Labcorp); PubMed 27081525 (cited by Labcorp Genetics (formerly Invitae), Labcorp); PubMed 8381579 (cited by Labcorp Genetics (formerly Invitae), Labcorp); PubMed 22135120 (cited by Labcorp Genetics (formerly Invitae), Labcorp); PubMed 15311282 (cited by Labcorp Genetics (formerly Invitae), Labcorp); PubMed 17293347 (cited by Labcorp Genetics (formerly Invitae), Labcorp).

NM_000038.6(APC):c.5936del (p.Asn1979fs)

Gene: APC (APC regulator of Wnt signaling pathway; plus strand). Cytogenetic location: 5q22.2.
Variant type: Deletion.
Coding change: c.5936del on transcript NM_000038.6 (MANE Select); coding-DNA position 5936, one base deleted (A; older notation c.5936delA).
Protein change: p.Asn1979fs; shifts the reading frame from asparagine 1979.
Molecular consequence: frameshift variant.
Genome position (GRCh38, 1-based): chr5:112,841,530, A deleted; the last of 4 consecutive A bases (chr5:112,841,527-112,841,530); deleting any one gives the same sequence. VCF-style (leftmost placement, unchanged base first): chr5-112841526-GA-G. GRCh37 (hg19) VCF-style: chr5-112177223-GA-G.
Other names: c.5936del, p.Asn1979fs (NM_001127510.3, NM_001354895.2); c.5882del, p.Asn1961fs (NM_001127511.3); c.5990del, p.Asn1997fs (NM_001354896.2); c.5966del, p.Asn1989fs (NM_001354897.2); c.5861del, p.Asn1954fs (NM_001354898.2); c.5852del, p.Asn1951fs (NM_001354899.2); c.5813del, p.Asn1938fs (NM_001354900.2); c.5759del, p.Asn1920fs (NM_001354901.2); and 6 more; short protein forms N1853fs, N1954fs, N1878fs, N1920fs, N1938fs, N1961fs, N1696fs, N1819fs.
Identifiers: ClinVar variation 217998 (VCV000217998.20), dbSNP rs863225368, ClinGen allele CA279794.